The following is an entry in ClinVar:

ClinVar aggregate classification (germline): Likely benign (1 of 4 stars; one submission).

Allele frequency attached by ClinVar (database versions not stated): gnomAD 0.00165; ESP Exome Variant Server 0.00169; ExAC 0.00173; gnomAD exomes 0.00184.
gnomAD v4.1: 2,916 of 1,613,506 alleles (0.18%); highest among the groups gnomAD compares: Non-Finnish European, 0.19%; 6 homozygotes.

Submission:

CeGaT Center for Human Genetics Tuebingen
Classification: Likely benign. Last evaluated: 2024-04-01. Review status: criteria provided, single submitter. Criteria: CeGaT Center For Human Genetics Tuebingen Variant Classification Criteria Version 2. Collection method: clinical testing. Allele origin: germline. Affected: yes. Observed: 1 variant allele.
Comment: ARHGEF19: BS2

NM_153213.5(ARHGEF19):c.610C>T (p.Arg204Trp)

Gene: ARHGEF19 (Rho guanine nucleotide exchange factor 19; minus strand). Cytogenetic location: 1p36.13.
Variant type: single nucleotide variant.
Coding change: c.610C>T on transcript NM_153213.5 (MANE Select); coding-DNA position 610, C replaced by T.
Protein change: p.Arg204Trp; replaces arginine 204 with tryptophan.
Molecular consequence: missense variant.
Genome position (GRCh38, 1-based): chr1:16,208,028, G>A on the plus strand (C>T on the coding strand, the complement: ARHGEF19 is on the minus strand). VCF-style: chr1-16208028-G-A. GRCh37 (hg19) VCF-style: chr1-16534523-G-A.
Other names: short protein forms R204W.
Identifiers: ClinVar variation 3234202 (VCV003234202.20), dbSNP rs141036884, ClinGen allele CA626190.